The following is an entry in ClinVar:

NM_001256789.3(CACNA1F):c.1522C>T (p.Arg508Trp)

Gene: CACNA1F (calcium voltage-gated channel subunit alpha1 F; minus strand). Cytogenetic location: Xp11.23.
Variant type: single nucleotide variant.
Coding change: c.1522C>T on transcript NM_001256789.3 (MANE Select); coding-DNA position 1522, C replaced by T.
Protein change: p.Arg508Trp; replaces arginine 508 with tryptophan.
Molecular consequence: missense variant.
Genome position (GRCh38, 1-based): chrX:49,226,038, G>A on the plus strand (C>T on the coding strand, the complement: CACNA1F is on the minus strand). VCF-style: chrX-49226038-G-A. GRCh37 (hg19) VCF-style: chrX-49082500-G-A.
Other names: c.1360C>T, p.Arg454Trp (NM_001256790.3); c.1555C>T, p.Arg519Trp (NM_005183.4); c.1555C>T (NM_005183.3); short protein forms R454W, R508W, R519W.
Identifiers: ClinVar variation 2138578 (VCV002138578.5), dbSNP rs782605685, ClinGen allele CA10410834.

ClinVar aggregate classification (germline): Uncertain significance. Review status: criteria provided, multiple submitters, no conflicts (2 of 4 stars). 2 submissions from 2 submitters: Uncertain significance (2). Last evaluated 2025-12-22.

Conditions:
CACNA1F-related disorder. Also called: CACNA1F-related condition.

Allele frequency attached by ClinVar (database versions not stated): gnomAD exomes below 0.00001; TOPMed 0.00001.
gnomAD v4.1: 4 of 1,191,260 alleles (0.00034%); highest among the groups gnomAD compares: South Asian, 0.0037%; no homozygotes.

Submissions (2):

PreventionGenetics, part of Exact Sciences
Classification: Uncertain significance for CACNA1F-related condition. Last evaluated: 2025-12-22. Review status: criteria provided, single submitter. Criteria: ACMG Guidelines, 2015. Collection method: clinical testing. Allele origin: germline.
Comment: The CACNA1F c.1555C>T variant is predicted to result in the amino acid substitution p.Arg519Trp. This variant was reported to segregate with retinitis pigmentosa in one family (Zhou et al. 2015. PubMed ID: 26075273). This variant was not reported in gnomAD v2. However, in gnomAD v4 (available only on GRCh38), this variant is reported in 0.004 % of alleles in the South Asian population, including 2 hemizygotes in the entire database. At this time, the clinical significance of this variant is uncertain due to the absence of conclusive functional and genetic evidence.

Labcorp Genetics (formerly Invitae), Labcorp
Classification: Uncertain significance. Last evaluated: 2023-02-05. Review status: criteria provided, single submitter. Criteria: Invitae Variant Classification Sherloc (09022015). Collection method: clinical testing. Allele origin: germline.
Comment: This sequence change replaces arginine, which is basic and polar, with tryptophan, which is neutral and slightly polar, at codon 519 of the CACNA1F protein (p.Arg519Trp). This variant is not present in population databases (gnomAD no frequency). In summary, the available evidence is currently insufficient to determine the role of this variant in disease. Therefore, it has been classified as a Variant of Uncertain Significance. Advanced modeling of protein sequence and biophysical properties (such as structural, functional, and spatial information, amino acid conservation, physicochemical variation, residue mobility, and thermodynamic stability) performed at Invitae indicates that this missense variant is expected to disrupt CACNA1F protein function. This missense change has been observed in individual(s) with retinitis pigmentosa (PMID: 26075273).

Literature cited by the submitters: PubMed 26075273 (cited by Labcorp Genetics (formerly Invitae), Labcorp).